The following is an entry in ClinVar:

NM_001042492.3(NF1):c.6550G>C (p.Asp2184His)

Gene: NF1 (neurofibromin 1; plus strand). Cytogenetic location: 17q11.2.
Variant type: single nucleotide variant.
Coding change: c.6550G>C on transcript NM_001042492.3 (MANE Select); coding-DNA position 6550, G replaced by C.
Protein change: p.Asp2184His; replaces aspartic acid 2184 with histidine.
Molecular consequence: missense variant.
Genome position (GRCh38, 1-based): chr17:31,337,490, G>C. VCF-style: chr17-31337490-G-C. GRCh37 (hg19) VCF-style: chr17-29664508-G-C.
Other names: c.6487G>C, p.Asp2163His (NM_000267.4); short protein forms D2163H, D2184H.
Identifiers: ClinVar variation 1753795 (VCV001753795.2), dbSNP rs1597843887, ClinGen allele CA399013258.
Genomic context (GRCh38, chr17:31,337,490, plus strand): 5'-CTGTTTGGCATTAGCAAAGTCAAGTCAGCTGCTGTCATTGCCTTCCGTTCCAGTTACCGG[G>C]ACAGGTCATTCTCTCCTGGCTCCTATGAGAGAGAGACTTTTGCTTTGACATCCTTGGAAA-3'
Protein context (NP_001035957.1, residues 2174-2194): AVIAFRSSYR[Asp2184His]RSFSPGSYER

ClinVar aggregate classification (germline): Uncertain significance (1 of 4 stars; one submission).

Conditions:
Cardiovascular phenotype. Identifiers: MedGen CN230736.
Hereditary cancer-predisposing syndrome. Also called: Neoplastic Syndromes, Hereditary; Tumor predisposition; Hereditary Cancer Syndrome; Hereditary neoplastic syndrome. Identifiers: Orphanet 140162, MedGen C0027672, MeSH D009386, MONDO:0015356.

Submission:

Ambry Genetics
Classification: Uncertain significance for Cardiovascular phenotype; Hereditary cancer-predisposing syndrome. Last evaluated: 2017-10-17. Review status: criteria provided, single submitter. Criteria: Ambry Variant Classification Scheme 2023. Collection method: clinical testing. Allele origin: germline.
Comment: The p.D2163H variant (also known as c.6487G>C), located in coding exon 42 of the NF1 gene, results from a G to C substitution at nucleotide position 6487. The aspartic acid at codon 2163 is replaced by histidine, an amino acid with similar properties. This amino acid position is highly conserved in available vertebrate species. In addition, the in silico prediction for this alteration is inconclusive. Since supporting evidence is limited at this time, the clinical significance of this alteration remains unclear.